The following is an entry in ClinVar:

ClinVar aggregate classification (germline): Uncertain significance. Review status: criteria provided, multiple submitters, no conflicts (2 of 4 stars). 4 submissions from 4 submitters: Uncertain significance (4). Last evaluated 2024-09-09.

Conditions:
Hereditary cancer-predisposing syndrome. Also called: Tumor predisposition; Hereditary Cancer Syndrome; Hereditary neoplastic syndrome; Neoplastic Syndromes, Hereditary. Identifiers: Orphanet 140162, MedGen C0027672, MeSH D009386, MONDO:0015356.
POLD1-related polyposis and colorectal cancer syndrome (CRCS10). Also called: Colorectal cancer 10; COLORECTAL CANCER, SUSCEPTIBILITY TO, ON CHROMOSOME 19q; Colorectal cancer, susceptibility to, 10. Identifiers: Orphanet 220460, MedGen C2675481, MONDO:0012953, OMIM 612591.
POLD1-related disorder. Also called: POLD1-related condition; POLD1-related disorders.

Allele frequency attached by ClinVar (database versions not stated): gnomAD 0.00001; TOPMed 0.00001.
gnomAD v4.1: 2 of 1,611,006 alleles (0.00012%); highest among the groups gnomAD compares: African/African-American, 0.0027%; 1 homozygote.

Submissions (4):

Ambry Genetics
Classification: Uncertain significance for Hereditary cancer-predisposing syndrome. Last evaluated: 2024-09-09. Review status: criteria provided, single submitter. Criteria: Ambry Variant Classification Scheme 2023. Collection method: clinical testing. Allele origin: germline.
Comment: The p.Q229H variant (also known as c.687G>C), located in coding exon 5 of the POLD1 gene, results from a G to C substitution at nucleotide position 687. The glutamine at codon 229 is replaced by histidine, an amino acid with highly similar properties. This amino acid position is conserved. In addition, this alteration is predicted to be tolerated by in silico analysis. Based on the available evidence, the clinical significance of this variant remains unclear.

GeneDx
Classification: Uncertain significance. Last evaluated: 2023-04-03. Review status: criteria provided, single submitter. Criteria: GeneDx Variant Classification Process June 2021. Collection method: clinical testing. Allele origin: germline. Affected: yes.
Comment: Not observed at significant frequency in large population cohorts (gnomAD); In silico analysis supports that this missense variant does not alter protein structure/function; Has not been previously published as pathogenic or benign to our knowledge; This variant is associated with the following publications: (PMID: 31034466)

PreventionGenetics, part of Exact Sciences
Classification: Uncertain significance for POLD1-related condition. Last evaluated: 2022-08-24. Review status: criteria provided, single submitter. Criteria: ACMG Guidelines, 2015. Collection method: clinical testing. Allele origin: germline.
Comment: The POLD1 c.687G>C variant is predicted to result in the amino acid substitution p.Gln229His. To our knowledge, this variant has not been reported in the literature or in a large population database, indicating this variant is rare. In ClinVar this variant has been interpreted as uncertain. At this time, the clinical significance of this variant is uncertain due to the absence of conclusive functional and genetic evidence.

Labcorp Genetics (formerly Invitae), Labcorp
Classification: Uncertain significance for POLD1-related polyposis and colorectal cancer syndrome. Last evaluated: 2019-04-14. Review status: criteria provided, single submitter. Criteria: Invitae Variant Classification Sherloc (09022015). Collection method: clinical testing. Allele origin: germline.
Comment: This variant has not been reported in the literature in individuals with POLD1-related conditions. This variant is not present in population databases (ExAC no frequency). This sequence change replaces glutamine with histidine at codon 229 of the POLD1 protein (p.Gln229His). The glutamine residue is moderately conserved and there is a small physicochemical difference between glutamine and histidine. Algorithms developed to predict the effect of missense changes on protein structure and function are either unavailable or do not agree on the potential impact of this missense change (SIFT: "Deleterious"; PolyPhen-2: "Probably Damaging"; Align-GVGD: "Class C0"). In summary, the available evidence is currently insufficient to determine the role of this variant in disease. Therefore, it has been classified as a Variant of Uncertain Significance.

NM_002691.4(POLD1):c.687G>C (p.Gln229His)

Gene: POLD1 (DNA polymerase delta 1, catalytic subunit; plus strand). Cytogenetic location: 19q13.33.
Variant type: single nucleotide variant.
Coding change: c.687G>C on transcript NM_002691.4 (MANE Select); coding-DNA position 687, G replaced by C.
Protein change: p.Gln229His; replaces glutamine 229 with histidine.
Molecular consequence: missense variant. On other transcripts: non-coding transcript variant (1).
Genome position (GRCh38, 1-based): chr19:50,402,302, G>C. VCF-style: chr19-50402302-G-C. GRCh37 (hg19) VCF-style: chr19-50905559-G-C.
Other names: c.687G>C, p.Gln229His (NM_001256849.1, NM_001308632.1); c.687G>C (NM_002691.2); short protein forms Q229H.
Identifiers: ClinVar variation 848278 (VCV000848278.11), dbSNP rs1333627312, ClinGen allele CA406974352.
Genomic context (GRCh38, chr19:50,402,302, plus strand): 5'-CCTGCGCATCACCGTGGCGCTGCCGCGCCTCGTGGCCCCGGCCCGCCGTCTCCTGGAACA[G>C]GGCATCCGTGTGGCAGGCCTGGGCACGCCCAGCTTCGCGCCCTACGAGGCCAACGTCGAC-3'
Protein context (NP_002682.2, residues 219-239): LVAPARRLLE[Gln229His]GIRVAGLGTP